The following is an entry in ClinVar:

ClinVar aggregate classification (germline): Uncertain significance (1 of 4 stars; one submission).

Allele frequency attached by ClinVar (database versions not stated): ExAC 0.00002; gnomAD 0.00002; TOPMed 0.00002.
gnomAD v4.1: 10 of 1,613,680 alleles (0.00062%); highest among the groups gnomAD compares: Non-Finnish European, 0.00076%; no homozygotes.

Submission:

Ambry Genetics
Classification: Uncertain significance. Last evaluated: 2023-08-13. Review status: criteria provided, single submitter. Criteria: Ambry Variant Classification Scheme 2023. Collection method: clinical testing. Allele origin: germline.
Comment: The p.K235R variant (also known as c.704A>G), located in coding exon 1 of the PALLD gene, results from an A to G substitution at nucleotide position 704. The lysine at codon 235 is replaced by arginine, an amino acid with highly similar properties. This amino acid position is conserved. In addition, this alteration is predicted to be tolerated by in silico analysis. Since supporting evidence is limited at this time, the clinical significance of this alteration remains unclear.

NM_001166108.2(PALLD):c.704A>G (p.Lys235Arg)

Gene: PALLD (palladin, cytoskeletal associated protein; plus strand). Cytogenetic location: 4q32.3.
Variant type: single nucleotide variant.
Coding change: c.704A>G on transcript NM_001166108.2 (MANE Select); coding-DNA position 704, A replaced by G.
Protein change: p.Lys235Arg; replaces lysine 235 with arginine.
Molecular consequence: missense variant.
Genome position (GRCh38, 1-based): chr4:168,512,208, A>G. VCF-style: chr4-168512208-A-G. GRCh37 (hg19) VCF-style: chr4-169433359-A-G.
Other names: c.704A>G, p.Lys235Arg (NM_016081.4); short protein forms K235R.
Identifiers: ClinVar variation 1756863 (VCV001756863.3), dbSNP rs775094994, ClinGen allele CA3135420.